The following is an entry in ClinVar:

ClinVar aggregate classification (germline): Pathogenic (1 of 4 stars; one submission).

Submission:

Labcorp Genetics (formerly Invitae), Labcorp
Classification: Pathogenic. Last evaluated: 2022-09-27. Review status: criteria provided, single submitter. Criteria: Invitae Variant Classification Sherloc (09022015). Collection method: clinical testing. Allele origin: germline.
Comment: This sequence change creates a premature translational stop signal (p.Tyr211*) in the AFG3L2 gene. It is expected to result in an absent or disrupted protein product. Loss-of-function variants in AFG3L2 are known to be pathogenic (PMID: 32248051). This variant is present in population databases (rs377249792, gnomAD 0.0009%). This variant has not been reported in the literature in individuals affected with AFG3L2-related conditions. Algorithms developed to predict the effect of sequence changes on RNA splicing suggest that this variant may disrupt the consensus splice site. For these reasons, this variant has been classified as Pathogenic.

Literature cited by the submitters: PubMed 32248051.

NM_006796.3(AFG3L2):c.633C>G (p.Tyr211Ter)

Gene: AFG3L2 (AFG3 like matrix AAA peptidase subunit 2; minus strand). Cytogenetic location: 18p11.21.
Variant type: single nucleotide variant.
Coding change: c.633C>G on transcript NM_006796.3 (MANE Select); coding-DNA position 633, C replaced by G.
Protein change: p.Tyr211Ter; replaces tyrosine 211 with a stop codon.
Molecular consequence: nonsense.
Genome position (GRCh38, 1-based): chr18:12,360,046, G>C on the plus strand (C>G on the coding strand, the complement: AFG3L2 is on the minus strand). VCF-style: chr18-12360046-G-C. GRCh37 (hg19) VCF-style: chr18-12360045-G-C.
Other names: short protein forms Y211*.
Identifiers: ClinVar variation 2192635 (VCV002192635.4), dbSNP rs377249792, ClinGen allele CA8896688.